The following is an entry in ClinVar:

ClinVar aggregate classification (germline): Likely benign. Review status: criteria provided, single submitter (1 of 4 stars). 2 submissions from 2 submitters: Likely benign (1). 1 of the submissions does not count toward it. Last evaluated 2023-07-27.

Conditions:
AKR1C2-related disorder. Also called: AKR1C2-related condition.

Allele frequency attached by ClinVar (database versions not stated): gnomAD exomes 0.00001; ExAC 0.00002; gnomAD 0.00005; ESP Exome Variant Server 0.00008; 1000 Genomes Project 30x 0.00016; 1000 Genomes Project 0.00020.
gnomAD v4.1: 27 of 1,614,000 alleles (0.0017%); highest among the groups gnomAD compares: Middle Eastern, 0.066%; no homozygotes.

Submissions (2):

Blueprint Genetics
Classification: Likely benign. Last evaluated: 2023-07-27. Review status: criteria provided, single submitter. Criteria: ACMG Guidelines, 2015. Collection method: clinical testing. Allele origin: germline.

PreventionGenetics, part of Exact Sciences
Classification: Likely benign for AKR1C2-related condition. Last evaluated: 2020-10-08. Review status: no assertion criteria provided. Collection method: clinical testing. Allele origin: germline. Not counted in ClinVar's aggregate classification.
Comment: This variant is classified as likely benign based on ACMG/AMP sequence variant interpretation guidelines (Richards et al. 2015 PMID: 25741868, with internal and published modifications).

NM_001393392.1(AKR1C2):c.54C>T (p.Val18=)

Gene: AKR1C2 (aldo-keto reductase family 1 member C2; minus strand). Cytogenetic location: 10p15.1.
Variant type: single nucleotide variant.
Coding change: c.54C>T on transcript NM_001393392.1 (MANE Select); coding-DNA position 54, C replaced by T.
Protein change: p.Val18=; no amino-acid change (valine 18 retained).
Molecular consequence: synonymous variant.
Genome position (GRCh38, 1-based): chr10:5,003,782, G>A on the plus strand (C>T on the coding strand, the complement: AKR1C2 is on the minus strand). VCF-style: chr10-5003782-G-A. GRCh37 (hg19) VCF-style: chr10-5045974-G-A.
Other names: c.54C>T, p.Val18= (NM_001135241.3, NM_001321027.2, NM_001354.6 and 1 more transcripts).
Identifiers: ClinVar variation 3046339 (VCV003046339.3), dbSNP rs138499660, ClinGen allele CA5390284.